The following is an entry in ClinVar:

ClinVar aggregate classification (germline): Uncertain significance. Review status: criteria provided, multiple submitters, no conflicts (2 of 4 stars). 2 submissions from 2 submitters: Uncertain significance (2). Last evaluated 2026-01-22.

Allele frequency attached by ClinVar (database versions not stated): gnomAD exomes 0.00001; ExAC 0.00002; gnomAD 0.00005; TOPMed 0.00005; 1000 Genomes Project 30x 0.00016; 1000 Genomes Project 0.00020.

Submissions (2):

Labcorp Genetics (formerly Invitae), Labcorp
Classification: Uncertain significance. Last evaluated: 2026-01-22. Review status: criteria provided, single submitter. Criteria: Invitae Variant Classification Sherloc (09022015). Collection method: clinical testing. Allele origin: germline.
Comment: This sequence change replaces arginine, which is basic and polar, with tryptophan, which is neutral and slightly polar, at codon 626 of the ANKZF1 protein (p.Arg626Trp). This variant is present in population databases (rs575269311, gnomAD 0.01%). This variant has not been reported in the literature in individuals affected with ANKZF1-related conditions. ClinVar contains an entry for this variant (Variation ID: 2169071). An algorithm developed to predict the effect of missense changes on protein structure and function (PolyPhen-2) suggests that this variant is likely to be disruptive. In summary, the available evidence is currently insufficient to determine the role of this variant in disease. Therefore, it has been classified as a Variant of Uncertain Significance.

Ambry Genetics
Classification: Uncertain significance. Last evaluated: 2021-08-06. Review status: criteria provided, single submitter. Criteria: Ambry Variant Classification Scheme 2023. Collection method: clinical testing. Allele origin: germline.

NM_018089.3(ANKZF1):c.1876C>T (p.Arg626Trp)

Gene: ANKZF1 (ankyrin repeat and zinc finger peptidyl tRNA hydrolase 1; plus strand). Cytogenetic location: 2q35.
Variant type: single nucleotide variant.
Coding change: c.1876C>T on transcript NM_018089.3 (MANE Select); coding-DNA position 1876, C replaced by T.
Protein change: p.Arg626Trp; replaces arginine 626 with tryptophan.
Molecular consequence: missense variant.
Genome position (GRCh38, 1-based): chr2:219,235,780, C>T. VCF-style: chr2-219235780-C-T. GRCh37 (hg19) VCF-style: chr2-220100502-C-T.
Other names: c.1876C>T, p.Arg626Trp (NM_001042410.2); c.1246C>T, p.Arg416Trp (NM_001282792.2); c.1876C>T (NM_018089.2); short protein forms R416W, R626W.
Identifiers: ClinVar variation 2169071 (VCV002169071.5), dbSNP rs575269311, ClinGen allele CA2121212.